The following is an entry in ClinVar:

ClinVar aggregate classification (germline): Pathogenic/Likely pathogenic. Review status: criteria provided, multiple submitters, no conflicts (2 of 4 stars). 5 submissions from 5 submitters: Pathogenic (4); Likely pathogenic (1). Last evaluated 2025-08-28.

Conditions:
CEP290-related ciliopathy. Also called: CEP290 ciliopathy. Identifiers: MedGen CN305601, MONDO:0100451.
Leber congenital amaurosis (LCA). Also called: Leber's amaurosis. Identifiers: Orphanet 65, MedGen C0339527, MeSH D057130, MONDO:0018998.
Abnormality of prenatal development or birth. Identifiers: MedGen C4025797, HP:0001197.
Joubert syndrome. Also called: Familial aplasia of the vermis; JOUBERT-BOLTSHAUSER SYNDROME. Identifiers: Orphanet 475, MedGen C5979921, MONDO:0018772.
Meckel-Gruber syndrome. Also called: DYSENCEPHALIA SPLANCHNOCYSTICA; GRUBER SYNDROME; Dysencephalia splachnocystica. Identifiers: Orphanet 564, MedGen C0265215, MONDO:0018921.
Nephronophthisis. Also called: Juvenile Nephronophthisis. Identifiers: Orphanet 655, MedGen C0687120, MONDO:0019005, HP:0000090.
CEP290-related disorder. Also called: CEP290-related disorders; CEP290-related condition. Identifiers: MedGen CN239314.

Allele frequency attached by ClinVar (database versions not stated): gnomAD exomes 0.00001; TOPMed below 0.00001.
gnomAD v4.1: 3 of 1,604,974 alleles (0.00019%); highest among the groups gnomAD compares: Admixed American, 0.0051%; no homozygotes.

Submissions (5):

PreventionGenetics, part of Exact Sciences
Classification: Pathogenic for CEP290-related condition. Last evaluated: 2025-08-28. Review status: criteria provided, single submitter. Criteria: ACMG Guidelines, 2015. Collection method: clinical testing. Allele origin: germline.
Comment: The CEP290 c.2605C>T variant is predicted to result in premature protein termination (p.Gln869*). This variant was reported in the homozygous state in an individual with retinal dystrophy (Zenteno et al. 2020. PubMed ID: 31736247) and in the homozygous state in a fetus with suspected kidney disease and vermian hypoplasia (Abolhassani et al. 2024. PubMed ID: 38374194). This variant is reported in 0.0091% of alleles in individuals of Latino descent in gnomAD. Nonsense variants in CEP290 are expected to be pathogenic. This variant is interpreted as pathogenic.

Myriad Genetics, Inc.
Classification: Pathogenic for CEP290-related ciliopathy. Last evaluated: 2025-06-19. Review status: criteria provided, single submitter. Criteria: Myriad Autosomal Dominant, Autosomal Recessive and X-Linked Classification Criteria (2023). Collection method: clinical testing. Allele origin: unknown.
Comment: NM_025114.3(CEP290):c.2605C>T(Q869*) is expected to be pathogenic in the context of CEP290-related disorders. This variant is predicted to lead to an abnormal or absent protein product due to the creation of a premature termination codon in CEP290, a gene where loss-of-function variants are known to be pathogenic. Please note: this variant was assessed in the context of healthy population screening.

Natera, Inc.
Classification: Likely pathogenic for Leber congenital amaurosis. Last evaluated: 2025-02-11. Review status: criteria provided, single submitter. Criteria: Natera Variant Classification Schema (03/2026). Collection method: clinical testing. Allele origin: germline.
Comment: The c.2605C>T variant in CEP290 is a nonsense variant predicted to introduce a stop codon at amino acid 869. This variant is expected to result in nonsense mediated decay, truncation, or a dysfunctional protein product. This variant is rare in the general population with a frequency below the threshold expected for the associated phenotype(s). Given the available evidence, this variant is classified as Likely Pathogenic.

Labcorp Genetics (formerly Invitae), Labcorp
Classification: Pathogenic for Joubert syndrome; Meckel-Gruber syndrome; Nephronophthisis. Last evaluated: 2023-03-16. Review status: criteria provided, single submitter. Criteria: Invitae Variant Classification Sherloc (09022015). Collection method: clinical testing. Allele origin: germline.
Comment: For these reasons, this variant has been classified as Pathogenic. This sequence change creates a premature translational stop signal (p.Gln869*) in the CEP290 gene. It is expected to result in an absent or disrupted protein product. Loss-of-function variants in CEP290 are known to be pathogenic (PMID: 16909394, 17345604, 20690115). This variant is present in population databases (no rsID available, gnomAD 0.009%). This variant has not been reported in the literature in individuals affected with CEP290-related conditions. ClinVar contains an entry for this variant (Variation ID: 843406). Algorithms developed to predict the effect of sequence changes on RNA splicing suggest that this variant may disrupt the consensus splice site.

Kariminejad - Najmabadi Pathology & Genetics Center
Classification: Pathogenic for Abnormality of prenatal development or birth. Last evaluated: 2021-07-10. Review status: criteria provided, single submitter. Criteria: ACMG Guidelines, 2015. Collection method: clinical testing. Allele origin: germline.

Literature cited by the submitters: PubMed 16909394 (cited by Labcorp Genetics (formerly Invitae), Labcorp); PubMed 17345604 (cited by Labcorp Genetics (formerly Invitae), Labcorp); PubMed 20690115 (cited by Labcorp Genetics (formerly Invitae), Labcorp).

NM_025114.4(CEP290):c.2605C>T (p.Gln869Ter)

Gene: CEP290 (centrosomal protein 290; minus strand). Cytogenetic location: 12q21.32.
Variant type: single nucleotide variant.
Coding change: c.2605C>T on transcript NM_025114.4 (MANE Select); coding-DNA position 2605, C replaced by T.
Protein change: p.Gln869Ter; replaces glutamine 869 with a stop codon.
Molecular consequence: nonsense.
Genome position (GRCh38, 1-based): chr12:88,106,887, G>A on the plus strand (C>T on the coding strand, the complement: CEP290 is on the minus strand). VCF-style: chr12-88106887-G-A. GRCh37 (hg19) VCF-style: chr12-88500664-G-A.
Other names: short protein forms Q869*.
Identifiers: ClinVar variation 843406 (VCV000843406.32), dbSNP rs903257336, ClinGen allele CA241149016.